The following is an entry in ClinVar:

ClinVar aggregate classification (germline): Conflicting classifications of pathogenicity. Review status: criteria provided, conflicting classifications (1 of 4 stars). 4 submissions from 4 submitters: Uncertain significance (2); Likely benign (1). 1 of the submissions does not count toward it. Last evaluated 2024-08-05.

Conditions:
Hypertrophic cardiomyopathy. Also called: HYPERTROPHIC MYOCARDIOPATHY. Identifiers: Orphanet 217569, MedGen C0007194, MeSH D002312, MONDO:0005045, HP:0001639.
MYH7-related disorder. Also called: MYH7-related disorders; MYH7-related condition; MYH7-related disease.
Cardiomyopathy (CMYO). Also called: Cardiomyopathies. Identifiers: Orphanet 167848, MedGen C0878544, MONDO:0004994, HP:0001638. Inheritance: Various modes of inheritance.

Allele frequency attached by ClinVar (database versions not stated): TOPMed 0.00001.

Submissions (4):

Labcorp Genetics (formerly Invitae), Labcorp
Classification: Likely benign for Hypertrophic cardiomyopathy. Last evaluated: 2024-08-05. Review status: criteria provided, single submitter. Criteria: Invitae Variant Classification Sherloc (09022015). Collection method: clinical testing. Allele origin: germline.

All of Us Research Program, National Institutes of Health
Classification: Uncertain significance for Cardiomyopathy. Last evaluated: 2024-04-16. Review status: criteria provided, single submitter. Criteria: ACMG Guidelines, 2015. Collection method: clinical testing. Allele origin: germline. Inheritance: Autosomal dominant inheritance. Observed: 3 variant alleles, 3 heterozygotes.
Comment: This variant causes a C to A nucleotide substitution at the -5 position of intron 27 of the MYH7 gene. To our knowledge, functional studies have not been reported for this variant. This variant has not been reported in individuals affected with MYH7-related disorders in the literature. This variant has not been identified in the general population by the Genome Aggregation Database (gnomAD). The available evidence is insufficient to determine the role of this variant in disease conclusively. Therefore, this variant is classified as a Variant of Uncertain Significance.

This study involves interpretation of variants in research participants for the purpose of population health screening. Participant phenotype was not available at the time of variant classification. Additional details can be found in publication PMID: 35346344, PMCID: PMC8962531

Color Diagnostics, LLC DBA Color Health
Classification: Uncertain significance for Cardiomyopathy. Last evaluated: 2023-04-21. Review status: criteria provided, single submitter. Criteria: ACMG Guidelines, 2015. Collection method: clinical testing. Allele origin: germline.
Comment: This variant causes a C to A nucleotide substitution at the -5 position of intron 27 of the MYH7 gene. To our knowledge, functional studies have not been reported for this variant. This variant has not been reported in individuals affected with MYH7-related disorders in the literature. This variant has not been identified in the general population by the Genome Aggregation Database (gnomAD). The available evidence is insufficient to determine the role of this variant in disease conclusively. Therefore, this variant is classified as a Variant of Uncertain Significance.

PreventionGenetics, part of Exact Sciences
Classification: Uncertain significance for MYH7-related condition. Last evaluated: 2023-12-12. Review status: no assertion criteria provided. Collection method: clinical testing. Allele origin: germline. Not counted in ClinVar's aggregate classification.
Comment: The MYH7 c.3727-5C>A variant is predicted to interfere with splicing. To our knowledge, this variant has not been reported in the literature or in a large population database, indicating this variant is rare. Although we suspect that this variant may be benign, at this time, the clinical significance of this variant is uncertain due to the absence of conclusive functional and genetic evidence.

NM_000257.4(MYH7):c.3727-5C>A

Gene: MYH7 (myosin heavy chain 7; minus strand). Cytogenetic location: 14q11.2.
Variant type: single nucleotide variant.
Coding change: c.3727-5C>A on transcript NM_000257.4 (MANE Select); 5 bases into the intron before coding-DNA position 3727, C replaced by A.
Molecular consequence: intron variant.
Genome position (GRCh38, 1-based): chr14:23,419,614, G>T on the plus strand (C>A on the coding strand, the complement: MYH7 is on the minus strand). VCF-style: chr14-23419614-G-T. GRCh37 (hg19) VCF-style: chr14-23888823-G-T.
Identifiers: ClinVar variation 918967 (VCV000918967.16), dbSNP rs1160062159, ClinGen allele CA704287811.